The following is an entry in ClinVar:

NM_001277062.2(MFF):c.632C>A (p.Thr211Asn)

Gene: MFF (mitochondrial fission factor; plus strand). Cytogenetic location: 2q36.3.
Variant type: single nucleotide variant.
Coding change: c.632C>A on transcript NM_001277062.2 (MANE Select); coding-DNA position 632, C replaced by A.
Protein change: p.Thr211Asn; replaces threonine 211 with asparagine.
Molecular consequence: missense variant. On other transcripts: intron variant (4).
Genome position (GRCh38, 1-based): chr2:227,352,546, C>A. VCF-style: chr2-227352546-C-A. GRCh37 (hg19) VCF-style: chr2-228217262-C-A.
Other names: c.785C>A, p.Thr262Asn (NM_001277061.2, NM_020194.5); c.473C>A, p.Thr158Asn (NM_001277064.2); c.515C>A, p.Thr172Asn (NM_001277068.1); c.516-3131C>A (NM_001277063.2); c.441-3131C>A (NM_001277065.2, NM_001277066.2); c.450-3131C>A (NM_001277067.1); c.785C>A (NM_020194.4); short protein forms T211N, T158N, T172N, T262N.
Identifiers: ClinVar variation 2966899 (VCV002966899.4), dbSNP rs765713755, ClinGen allele CA2148018.

ClinVar aggregate classification (germline): Uncertain significance. Review status: criteria provided, multiple submitters, no conflicts (2 of 4 stars). 2 submissions from 2 submitters: Uncertain significance (2). Last evaluated 2025-03-21.

Conditions:
Inborn genetic diseases. Identifiers: MedGen C0950123, MeSH D030342.

Allele frequency attached by ClinVar (database versions not stated): ExAC 0.00002.
gnomAD v4.1: 10 of 1,613,840 alleles (0.00062%); highest among the groups gnomAD compares: Admixed American, 0.01%; no homozygotes.

Submissions (2):

Ambry Genetics
Classification: Uncertain significance for Inborn genetic diseases. Last evaluated: 2025-03-21. Review status: criteria provided, single submitter. Criteria: Ambry Variant Classification Scheme 2023. Collection method: clinical testing. Allele origin: germline.

Labcorp Genetics (formerly Invitae), Labcorp
Classification: Uncertain significance. Last evaluated: 2023-01-13. Review status: criteria provided, single submitter. Criteria: Invitae Variant Classification Sherloc (09022015). Collection method: clinical testing. Allele origin: germline.
Comment: This sequence change replaces threonine, which is neutral and polar, with asparagine, which is neutral and polar, at codon 262 of the MFF protein (p.Thr262Asn). This variant is present in population databases (rs765713755, gnomAD 0.009%). This variant has not been reported in the literature in individuals affected with MFF-related conditions. Algorithms developed to predict the effect of missense changes on protein structure and function are either unavailable or do not agree on the potential impact of this missense change (SIFT: "Deleterious"; PolyPhen-2: "Benign"; Align-GVGD: "Class C0"). In summary, the available evidence is currently insufficient to determine the role of this variant in disease. Therefore, it has been classified as a Variant of Uncertain Significance.